The following is an entry in ClinVar:

ClinVar aggregate classification (germline): Uncertain significance (1 of 4 stars; one submission).

Conditions:
Rhabdoid tumor predisposition syndrome 2 (RTPS2). Identifiers: Orphanet 231108, Orphanet 69077, MedGen C2750074, MONDO:0013224, OMIM 613325.

gnomAD v4.1: 1 of 1,607,230 alleles (0.000062%); highest among the groups gnomAD compares: Non-Finnish European, 0.000085%; no homozygotes.

Submission:

Labcorp Genetics (formerly Invitae), Labcorp
Classification: Uncertain significance for Rhabdoid tumor predisposition syndrome 2. Last evaluated: 2024-11-05. Review status: criteria provided, single submitter. Criteria: Invitae Variant Classification Sherloc (09022015). Collection method: clinical testing. Allele origin: germline.
Comment: This sequence change affects codon 1027 of the SMARCA4 mRNA. It is a 'silent' change, meaning that it does not change the encoded amino acid sequence of the SMARCA4 protein. This variant also falls at the last nucleotide of exon 21, which is part of the consensus splice site for this exon. This variant is not present in population databases (gnomAD no frequency). This variant has not been reported in the literature in individuals affected with SMARCA4-related conditions. Variants that disrupt the consensus splice site are a relatively common cause of aberrant splicing (PMID: 17576681, 9536098). Studies have shown that this variant is associated with inconclusive levels of altered splicing (internal data). In summary, the available evidence is currently insufficient to determine the role of this variant in disease. Therefore, it has been classified as a Variant of Uncertain Significance.

Literature cited by the submitters: PubMed 17576681; PubMed 9536098.

NM_003072.5(SMARCA4):c.3081G>A (p.Lys1027=)

Gene: SMARCA4 (SWI/SNF related BAF chromatin remodeling complex subunit ATPase 4; plus strand). Cytogenetic location: 19p13.2.
Variant type: single nucleotide variant.
Coding change: c.3081G>A on transcript NM_003072.5 (MANE Select); coding-DNA position 3081, G replaced by A.
Protein change: p.Lys1027=; no amino-acid change (lysine 1027 retained).
Molecular consequence: synonymous variant. On other transcripts: non-coding transcript variant (1).
Genome position (GRCh38, 1-based): chr19:11,024,438, G>A. VCF-style: chr19-11024438-G-A. GRCh37 (hg19) VCF-style: chr19-11135114-G-A.
Other names: c.3081G>A, p.Lys1027= (NM_001128844.3, NM_001128845.2, NM_001128846.2 and 6 more transcripts).
Identifiers: ClinVar variation 3677259 (VCV003677259.2).